The following is an entry in ClinVar:

NM_138792.4(LEO1):c.1231A>G (p.Arg411Gly)

Gene: LEO1 (LEO1 homolog, Paf1/RNA polymerase II complex component; minus strand). Cytogenetic location: 15q21.2.
Variant type: single nucleotide variant.
Coding change: c.1231A>G on transcript NM_138792.4 (MANE Select); coding-DNA position 1231, A replaced by G.
Protein change: p.Arg411Gly; replaces arginine 411 with glycine.
Molecular consequence: missense variant. On other transcripts: intron variant (1).
Genome position (GRCh38, 1-based): chr15:51,958,756, T>C on the plus strand (A>G on the coding strand, the complement: LEO1 is on the minus strand). VCF-style: chr15-51958756-T-C. GRCh37 (hg19) VCF-style: chr15-52250953-T-C.
Other names: c.1231A>G, p.Arg411Gly (NM_001323903.2, NM_001323904.2, NM_001426597.1 and 1 more transcripts); c.1160+1143A>G (NM_001286430.2); short protein forms R411G.
Identifiers: ClinVar variation 3368214 (VCV003368214.1).

ClinVar aggregate classification (germline): Uncertain significance (1 of 4 stars; one submission).

Submission:

GeneDx
Classification: Uncertain significance. Last evaluated: 2024-01-24. Review status: criteria provided, single submitter. Criteria: GeneDx Variant Classification Process June 2021. Collection method: clinical testing. Allele origin: germline. Affected: yes.
Comment: Not observed at significant frequency in large population cohorts (gnomAD); In silico analysis supports that this missense variant has a deleterious effect on protein structure/function; Has not been previously published as pathogenic or benign to our knowledge; Variants in candidate genes are classified as variants of uncertain significance in accordance with ACMG guidelines (PMID: 25741868)